The following is an entry in ClinVar:

NM_001711.6(BGN):c.1072C>A (p.Arg358Ser)

Gene: BGN (biglycan; plus strand). Cytogenetic location: Xq28.
Variant type: single nucleotide variant.
Coding change: c.1072C>A on transcript NM_001711.6 (MANE Select); coding-DNA position 1072, C replaced by A.
Protein change: p.Arg358Ser; replaces arginine 358 with serine.
Molecular consequence: missense variant.
Genome position (GRCh38, 1-based): chrX:153,508,410, C>A. VCF-style: chrX-153508410-C-A. GRCh37 (hg19) VCF-style: chrX-152773868-C-A.
Other names: short protein forms R358S.
Identifiers: ClinVar variation 1964501 (VCV001964501.5), dbSNP rs1435587833, ClinGen allele CA415071981.

ClinVar aggregate classification (germline): Uncertain significance (1 of 4 stars; one submission).

Submission:

Labcorp Genetics (formerly Invitae), Labcorp
Classification: Uncertain significance. Last evaluated: 2022-01-04. Review status: criteria provided, single submitter. Criteria: Invitae Variant Classification Sherloc (09022015). Collection method: clinical testing. Allele origin: germline.
Comment: This sequence change replaces arginine, which is basic and polar, with serine, which is neutral and polar, at codon 358 of the BGN protein (p.Arg358Ser). This variant is not present in population databases (gnomAD no frequency). This variant has not been reported in the literature in individuals affected with BGN-related conditions. Algorithms developed to predict the effect of missense changes on protein structure and function are either unavailable or do not agree on the potential impact of this missense change (SIFT: "Not Available"; PolyPhen-2: "Possibly Damaging"; Align-GVGD: "Not Available"). In summary, the available evidence is currently insufficient to determine the role of this variant in disease. Therefore, it has been classified as a Variant of Uncertain Significance.